The following is an entry in ClinVar:

NM_003931.3(WASF1):c.894-1G>T

Gene: WASF1 (WASP family member 1; minus strand). Cytogenetic location: 6q21.
Variant type: single nucleotide variant.
Coding change: c.894-1G>T on transcript NM_003931.3 (MANE Select); the canonical splice acceptor site of the intron before coding-DNA position 894, G replaced by T.
Molecular consequence: splice acceptor variant.
Genome position (GRCh38, 1-based): chr6:110,102,217, C>A on the plus strand (G>T on the coding strand, the complement: WASF1 is on the minus strand). VCF-style: chr6-110102217-C-A. GRCh37 (hg19) VCF-style: chr6-110423420-C-A.
Other names: c.894-1G>T (NM_001024936.2, NM_001024935.2, NM_001024934.2).
Identifiers: ClinVar variation 3364580 (VCV003364580.1).
Genomic context (GRCh38, chr6:110,102,217, plus strand): 5'-ACAGGTGTTCTGCCTGTAGCTGGTGACTGAGGGCGATTTTCTATCAAACCTGTAGCAGAA[C>A]TGAAATGACAAAGAGATTCTAGCAAGTTATTAAAAGAGAAAAGCCTAAAGAGAAAATCTA-3'

ClinVar aggregate classification (germline): Uncertain significance (1 of 4 stars; one submission).

Submission:

GeneDx
Classification: Uncertain significance. Last evaluated: 2023-11-18. Review status: criteria provided, single submitter. Criteria: GeneDx Variant Classification Process June 2021. Collection method: clinical testing. Allele origin: germline. Affected: yes.
Comment: Not observed at significant frequency in large population cohorts (gnomAD); Has not been previously published as pathogenic or benign to our knowledge; Canonical splice site variant in a gene for which loss-of-function is not a known mechanism of disease